The following is an entry in ClinVar:

ClinVar aggregate classification (germline): Uncertain significance (1 of 4 stars; one submission).

Conditions:
Cardiovascular phenotype. Identifiers: MedGen CN230736.

Allele frequency attached by ClinVar (database versions not stated): gnomAD 0.00001.

Submission:

Ambry Genetics
Classification: Uncertain significance for Cardiovascular phenotype. Last evaluated: 2020-03-26. Review status: criteria provided, single submitter. Criteria: Ambry Variant Classification Scheme 2023. Collection method: clinical testing. Allele origin: germline.
Comment: The p.Q662E variant (also known as c.1984C>G), located in coding exon 10 of the MYPN gene, results from a C to G substitution at nucleotide position 1984. The glutamine at codon 662 is replaced by glutamic acid, an amino acid with highly similar properties. This amino acid position is highly conserved in available vertebrate species. In addition, this alteration is predicted to be tolerated by in silico analysis. Since supporting evidence is limited at this time, the clinical significance of this alteration remains unclear.

NM_032578.4(MYPN):c.1984C>G (p.Gln662Glu)

Gene: MYPN (myopalladin; plus strand). Cytogenetic location: 10q21.3.
Variant type: single nucleotide variant.
Coding change: c.1984C>G on transcript NM_032578.4 (MANE Select); coding-DNA position 1984, C replaced by G.
Protein change: p.Gln662Glu; replaces glutamine 662 with glutamic acid.
Molecular consequence: missense variant. On other transcripts: non-coding transcript variant (2).
Genome position (GRCh38, 1-based): chr10:68,174,076, C>G. VCF-style: chr10-68174076-C-G. GRCh37 (hg19) VCF-style: chr10-69933833-C-G.
Other names: c.1984C>G, p.Gln662Glu (NM_001256267.2); c.1102C>G, p.Gln368Glu (NM_001256268.2); short protein forms Q368E, Q662E.
Identifiers: ClinVar variation 1783851 (VCV001783851.2), dbSNP rs2043185740, ClinGen allele CA376843097.
Genomic context (GRCh38, chr10:68,174,076, plus strand): 5'-CCAATAATAACACATTTCCTTCTCTCTCTCCACCCTTGTTTTGTGTACAGTGATTCCACT[C>G]AGTTACAACAGCTTCATAACCAAGTCTTACTGGAACAACACCAATTGCAAAACCCACCTC-3'
Protein context (NP_115967.2, residues 652-672): VLAKPKLDST[Gln662Glu]LQQLHNQVLL